The following is an entry in ClinVar:

NM_001367624.2(ZNF469):c.6222C>G (p.His2074Gln)

Gene: ZNF469 (zinc finger protein 469; plus strand). Cytogenetic location: 16q24.2.
Variant type: single nucleotide variant.
Coding change: c.6222C>G on transcript NM_001367624.2 (MANE Select); coding-DNA position 6222, C replaced by G.
Protein change: p.His2074Gln; replaces histidine 2074 with glutamine.
Molecular consequence: missense variant.
Genome position (GRCh38, 1-based): chr16:88,433,692, C>G. VCF-style: chr16-88433692-C-G. GRCh37 (hg19) VCF-style: chr16-88500100-C-G.
Other names: NM_001127464.1:c.6138C>G; short protein forms H2074Q.
Identifiers: ClinVar variation 3232836 (VCV003232836.1), dbSNP rs2507592792, ClinGen allele CA397104813.

ClinVar aggregate classification (germline): Uncertain significance (1 of 4 stars; one submission).

Conditions:
Cardiovascular phenotype. Identifiers: MedGen CN230736.

Submission:

Ambry Genetics
Classification: Uncertain significance for Cardiovascular phenotype. Last evaluated: 2022-12-13. Review status: criteria provided, single submitter. Criteria: Ambry Variant Classification Scheme 2023. Collection method: clinical testing. Allele origin: germline.
Comment: The p.H2046Q variant (also known as c.6138C>G), located in coding exon 2 of the ZNF469 gene, results from a C to G substitution at nucleotide position 6138. The histidine at codon 2046 is replaced by glutamine, an amino acid with highly similar properties. This amino acid position is conserved. In addition, this alteration is predicted to be tolerated by in silico analysis. Since supporting evidence is limited at this time, the clinical significance of this alteration remains unclear.